The following is an entry in ClinVar:

ClinVar aggregate classification (germline): Likely benign. Review status: criteria provided, multiple submitters, no conflicts (2 of 4 stars). 2 submissions from 2 submitters: Likely benign (2). Last evaluated 2025-11-06.

Conditions:
LRP5-related disorder. Also called: LRP5-related condition.

Allele frequency attached by ClinVar (database versions not stated): TOPMed 0.00002; gnomAD 0.00007; gnomAD exomes 0.00010; ExAC 0.00051; 1000 Genomes Project 30x 0.00078; 1000 Genomes Project 0.00080.
gnomAD v4.1: 145 of 1,514,820 alleles (0.0096%); highest among the groups gnomAD compares: East Asian, 0.3%; no homozygotes.

Submissions (2):

PreventionGenetics, part of Exact Sciences
Classification: Likely benign for LRP5-related condition. Last evaluated: 2025-11-06. Review status: criteria provided, single submitter. Criteria: ACMG Guidelines, 2015. Collection method: clinical testing. Allele origin: germline.
Comment: This variant is classified as likely benign based on ACMG/AMP sequence variant interpretation guidelines (Richards et al. 2015 PMID: 25741868, with internal and published modifications).

Labcorp Genetics (formerly Invitae), Labcorp
Classification: Likely benign. Last evaluated: 2025-06-24. Review status: criteria provided, single submitter. Criteria: Invitae Variant Classification Sherloc (09022015). Collection method: clinical testing. Allele origin: germline.

NM_002335.4(LRP5):c.4476G>A (p.Thr1492=)

Gene: LRP5 (LDL receptor related protein 5; plus strand). Cytogenetic location: 11q13.2.
Variant type: single nucleotide variant.
Coding change: c.4476G>A on transcript NM_002335.4 (MANE Select); coding-DNA position 4476, G replaced by A.
Protein change: p.Thr1492=; no amino-acid change (threonine 1492 retained).
Molecular consequence: synonymous variant.
Genome position (GRCh38, 1-based): chr11:68,439,904, G>A. VCF-style: chr11-68439904-G-A. GRCh37 (hg19) VCF-style: chr11-68207372-G-A.
Other names: c.4476G>A (NM_002335.3); c.2733G>A, p.Thr911= (NM_001291902.2).
Identifiers: ClinVar variation 1135550 (VCV001135550.10), dbSNP rs550766311, ClinGen allele CA6150373.